The following is an entry in ClinVar:

NM_144670.6(A2ML1):c.1833+213T>C

Gene: A2ML1 (alpha-2-macroglobulin like 1; plus strand). Cytogenetic location: 12p13.31.
Variant type: single nucleotide variant.
Coding change: c.1833+213T>C on transcript NM_144670.6 (MANE Select); 213 bases into the intron after coding-DNA position 1833, T replaced by C.
Molecular consequence: intron variant.
Genome position (GRCh38, 1-based): chr12:8,847,911, T>C. VCF-style: chr12-8847911-T-C. GRCh37 (hg19) VCF-style: chr12-9000507-T-C.
Other names: c.360+213T>C (NM_001282424.3).
Identifiers: ClinVar variation 561559 (VCV000561559.2), dbSNP rs7301996, ClinGen allele CA13613191.

ClinVar aggregate classification (germline): Benign. Review status: criteria provided, multiple submitters, no conflicts (2 of 4 stars). 2 submissions from 2 submitters: Benign (2). Last evaluated 2018-06-19.

Allele frequency attached by ClinVar (database versions not stated): 1000 Genomes Project 0.15515; 1000 Genomes Project 30x 0.16318; TOPMed 0.20581.

Submissions (2):

GeneDx
Classification: Benign. Last evaluated: 2018-06-19. Review status: criteria provided, single submitter. Criteria: GeneDx Variant Classification (06012015). Collection method: clinical testing. Allele origin: germline. Affected: yes.
Comment: This variant is considered likely benign or benign based on one or more of the following criteria: it is a conservative change, it occurs at a poorly conserved position in the protein, it is predicted to be benign by multiple in silico algorithms, and/or has population frequency not consistent with disease.

Breakthrough Genomics
Classification: Benign. Review status: criteria provided, single submitter. Criteria: ACMG Guidelines, 2015. Collection method: not provided. Allele origin: germline. Inheritance: Autosomal dominant inheritance. Affected: yes.